The following is an entry in ClinVar:

NM_025074.7(FRAS1):c.*391C>T

Gene: FRAS1 (Fraser extracellular matrix complex subunit 1; plus strand). Cytogenetic location: 4q21.21.
Variant type: single nucleotide variant.
Coding change: c.*391C>T on transcript NM_025074.7 (MANE Select); 391 bases downstream of the stop codon, C replaced by T.
Molecular consequence: 3 prime UTR variant.
Genome position (GRCh38, 1-based): chr4:78,541,515, C>T. VCF-style: chr4-78541515-C-T. GRCh37 (hg19) VCF-style: chr4-79462669-C-T.
Identifiers: ClinVar variation 905202 (VCV000905202.4), dbSNP rs564787250, ClinGen allele CA99968861.

ClinVar aggregate classification (germline): Likely benign (1 of 4 stars; one submission).

Conditions:
Fraser syndrome 1 (FRASRS1). Also called: CRYPTOPHTHALMOS WITH OTHER MALFORMATIONS. Identifiers: Orphanet 2052, MedGen C4551480, MONDO:0054737, OMIM 219000.

Allele frequency attached by ClinVar (database versions not stated): gnomAD 0.00002; TOPMed 0.00005; 1000 Genomes Project 30x 0.00125; 1000 Genomes Project 0.00160.

Submission:

Illumina Laboratory Services, Illumina
Classification: Likely benign for Fraser syndrome 1. Last evaluated: 2018-01-13. Review status: criteria provided, single submitter. Criteria: ICSL Variant Classification Criteria 13 December 2019. Collection method: clinical testing. Allele origin: germline.
Comment: This variant was observed in the ICSL laboratory as part of a predisposition screen in an ostensibly healthy population. It had not been previously curated by ICSL or reported in the Human Gene Mutation Database (HGMD: prior to June 1st, 2018), and was therefore a candidate for classification through an automated scoring system. Utilizing variant allele frequency, disease prevalence and penetrance estimates, and inheritance mode, an automated score was calculated to assess if this variant is too frequent to cause the disease. Based on the score and internal cut-off values, a variant classified as likely benign is not then subjected to further curation. The score for this variant resulted in a classification of likely benign for this disease.